The following is an entry in ClinVar:

NM_004279.3(PMPCB):c.1007A>G (p.Lys336Arg)

Gene: PMPCB (peptidase, mitochondrial processing subunit beta; plus strand). Cytogenetic location: 7q22.1.
Variant type: single nucleotide variant.
Coding change: c.1007A>G on transcript NM_004279.3 (MANE Select); coding-DNA position 1007, A replaced by G.
Protein change: p.Lys336Arg; replaces lysine 336 with arginine.
Molecular consequence: missense variant.
Genome position (GRCh38, 1-based): chr7:103,310,328, A>G. VCF-style: chr7-103310328-A-G. GRCh37 (hg19) VCF-style: chr7-102950775-A-G.
Other names: NC_000007.13:g.102950775A>G; short protein forms K336R.
Identifiers: ClinVar variation 3342487 (VCV003342487.2).

ClinVar aggregate classification (germline): Uncertain significance (1 of 4 stars; one submission).

gnomAD v4.1: 20 of 1,612,204 alleles (0.0012%); highest among the groups gnomAD compares: South Asian, 0.0033%; no homozygotes.

Submissions (2):

GeneDx
Classification: Uncertain significance. Last evaluated: 2022-04-07. Review status: criteria provided, single submitter. Criteria: GeneDx Variant Classification Process June 2021. Collection method: clinical testing. Allele origin: germline. Affected: yes.
Comment: In silico analysis supports that this missense variant does not alter protein structure/function; Has not been previously published as pathogenic or benign to our knowledge; Variants in candidate genes are classified as variants of uncertain significance in accordance with ACMG guidelines (Richards et al., 2015)

Dr. Peter K. Rogan Lab, Western University
No classification provided (evidence only). Condition: Clear cell carcinoma of kidney. Review status: no classification provided. Collection method: in vitro. Allele origin: not applicable. Functional consequence: retained intron. Not counted in ClinVar's aggregate classification.